The following is an entry in ClinVar:

NM_001292034.3(TAB2):c.308dup (p.Thr104fs)

Gene: TAB2 (TGF-beta activated kinase 1 (MAP3K7) binding protein 2; plus strand). Cytogenetic location: 6q25.1.
Variant type: Duplication.
Coding change: c.308dup on transcript NM_001292034.3 (MANE Select); coding-DNA position 308, one base duplicated (T; older notation c.308dupT).
Protein change: p.Thr104fs; shifts the reading frame from threonine 104.
Molecular consequence: frameshift variant.
Genome position (GRCh38, 1-based): chr6:149,378,223, T duplicated. VCF-style (leftmost placement, unchanged base first): chr6-149378222-C-CT. GRCh37 (hg19) VCF-style: chr6-149699358-C-CT.
Other names: c.212dup, p.Thr72fs (NM_001292035.3); c.308dup, p.Thr104fs (NM_001369506.1, NM_015093.6); c.308dup (NM_015093.4); short protein forms T104fs, T72fs.
Identifiers: ClinVar variation 2577979 (VCV002577979.4), dbSNP rs2483384714, ClinGen allele CA452719765.

ClinVar aggregate classification (germline): Pathogenic. Review status: criteria provided, single submitter (1 of 4 stars). 2 submissions from 2 submitters: Pathogenic (1). 1 of the submissions does not count toward it. Last evaluated 2026-10-05.

Submissions (2):

GeneDx
Classification: Pathogenic. Last evaluated: 2026-10-05. Review status: criteria provided, single submitter. Criteria: GeneDx Variant Classification Process June 2021. Collection method: clinical testing. Allele origin: germline.
Comment: Frameshift variant predicted to result in protein truncation or nonsense mediated decay in a gene for which loss of function is a known mechanism of disease; Not observed at significant frequency in large population cohorts (gnomAD); Has not been previously published as pathogenic or benign to our knowledge

Molecular Genetics laboratory, Necker Hospital
Classification: Likely pathogenic. Last evaluated: 2021-03-11. Review status: no assertion criteria provided. Collection method: clinical testing. Allele origin: de novo. Affected: yes. Not counted in ClinVar's aggregate classification.